The following is an entry in ClinVar:

ClinVar aggregate classification (germline): Uncertain significance. Review status: criteria provided, multiple submitters, no conflicts (2 of 4 stars). 2 submissions from 2 submitters: Uncertain significance (2). Last evaluated 2024-08-28.

Conditions:
Hereditary breast ovarian cancer syndrome. Also called: Hereditary breast and ovarian cancer; Hereditary breast and ovarian cancer syndrome (HBOC); Breast and ovarian cancer; Hereditary breast and/or ovarian cancer syndrome; BRCA1- and BRCA2-Associated Hereditary Breast and Ovarian Cancer; Hereditary breast and ovarian cancer syndrome. Identifiers: Orphanet 145, MedGen C0677776, MeSH D061325, MONDO:0003582. Disease mechanism: loss of function.
Hereditary cancer-predisposing syndrome. Also called: Neoplastic Syndromes, Hereditary; Tumor predisposition; Hereditary Cancer Syndrome; Hereditary neoplastic syndrome. Identifiers: Orphanet 140162, MedGen C0027672, MeSH D009386, MONDO:0015356.

Submissions (3):

Ambry Genetics
Classification: Uncertain significance for Hereditary cancer-predisposing syndrome. Last evaluated: 2024-08-28. Review status: criteria provided, single submitter. Criteria: Ambry Variant Classification Scheme 2023. Collection method: clinical testing. Allele origin: germline.
Comment: The p.I1807L variant (also known as c.5419A>C), located in coding exon 21 of the BRCA1 gene, results from an A to C substitution at nucleotide position 5419. The isoleucine at codon 1807 is replaced by leucine, an amino acid with highly similar properties. One functional study found that this nucleotide substitution is functional in a high throughput genome editing haploid cell survival assay; however, a second study reported this variant as non-functional in a cisplatin resistance assay (Findlay GM et al. Nature, 2018 Oct;562:217-222; Adamovich AI et al. Am J Hum Genet, 2022 Apr;109:618-630). This amino acid position is not well conserved in available vertebrate species. In addition, the in silico prediction for this alteration is inconclusive. Based on the available evidence, the clinical significance of this variant remains unclear.

Labcorp Genetics (formerly Invitae), Labcorp
Classification: Uncertain significance for Hereditary breast ovarian cancer syndrome. Last evaluated: 2024-07-25. Review status: criteria provided, single submitter. Criteria: Invitae Variant Classification Sherloc (09022015). Collection method: clinical testing. Allele origin: germline.
Comment: This sequence change replaces isoleucine, which is neutral and non-polar, with leucine, which is neutral and non-polar, at codon 1807 of the BRCA1 protein (p.Ile1807Leu). This variant is not present in population databases (gnomAD no frequency). This variant has not been reported in the literature in individuals affected with BRCA1-related conditions. ClinVar contains an entry for this variant (Variation ID: 868476). Advanced modeling performed at Invitae incorporating data from internal and/or published experimental studies (PMID: 30209399) indicates that this missense variant is not expected to disrupt BRCA1 function with a negative predictive value of 95%. Experimental studies have shown that this missense change does not substantially affect BRCA1 function (PMID: 30209399). In summary, the available evidence is currently insufficient to determine the role of this variant in disease. Therefore, it has been classified as a Variant of Uncertain Significance.

Brotman Baty Institute, University of Washington
No classification provided (evidence only). Condition: Breast-ovarian cancer, familial 1. Review status: no classification provided. Collection method: in vitro. Allele origin: not applicable. Functional consequence: functionally_normal. Not counted in ClinVar's aggregate classification.
ClinVar note: "not provided" was previously submitted as the classification for the variant. However, the classification appeared to be based only on an observation of functional data so it was converted to no classification on 2025-07-30.

Literature cited by the submitters: PubMed 30209399 (cited by Ambry Genetics and Labcorp Genetics (formerly Invitae), Labcorp); PubMed 35196514 (cited by Ambry Genetics).

NM_007294.4(BRCA1):c.5419A>C (p.Ile1807Leu)

Gene: BRCA1 (BRCA1 DNA repair associated; minus strand). Cytogenetic location: 17q21.31.
Variant type: single nucleotide variant.
Coding change: c.5419A>C on transcript NM_007294.4 (MANE Select); coding-DNA position 5419, A replaced by C.
Protein change: p.Ile1807Leu; replaces isoleucine 1807 with leucine.
Molecular consequence: missense variant. On other transcripts: non-coding transcript variant (1).
Genome position (GRCh38, 1-based): chr17:43,047,691, T>G on the plus strand (A>C on the coding strand, the complement: BRCA1 is on the minus strand). VCF-style: chr17-43047691-T-G. GRCh37 (hg19) VCF-style: chr17-41199708-T-G.
Other names: c.5209A>C, p.Ile1737Leu (NM_001407884.1, NM_001407885.1, NM_001407886.1 and 5 more transcripts); c.5206A>C, p.Ile1736Leu (NM_001407894.1, NM_001407908.1, NM_001407909.1 and 12 more transcripts); c.5203A>C, p.Ile1735Leu (NM_001407915.1, NM_001407916.1, NM_001407917.1 and 1 more transcripts); c.5167A>C, p.Ile1723Leu (NM_001407919.1); c.5155A>C, p.Ile1719Leu (NM_001407920.1, NM_001407921.1, NM_001407922.1 and 4 more transcripts); c.5152A>C, p.Ile1718Leu (NM_001407931.1, NM_001407932.1, NM_001407933.1 and 4 more transcripts); c.5149A>C, p.Ile1717Leu (NM_001407934.1, NM_001407935.1, NM_001407936.1); c.5222A>C, p.Asn1741Thr (NM_001407937.1, NM_001407938.1); and 83 more; short protein forms I1828L, I703L, I1760L, I1807L, N678T, I1511L, I1679L, I1694L.
Identifiers: ClinVar variation 868476 (VCV000868476.12), dbSNP rs786202721, ClinGen allele CA10590616.